The following is an entry in ClinVar:

ClinVar aggregate classification (germline): Likely benign (1 of 4 stars; one submission).

Conditions:
CEP164-related disorder. Also called: CEP164-related condition.

Submission:

PreventionGenetics, part of Exact Sciences
Classification: Likely benign for CEP164-related condition. Last evaluated: 2026-09-02. Review status: criteria provided, single submitter. Criteria: ACMG Guidelines, 2015. Collection method: clinical testing. Allele origin: germline.
Comment: This variant is classified as likely benign based on ACMG/AMP sequence variant interpretation guidelines (Richards et al. 2015 PMID: 25741868, with internal and published modifications).

NM_014956.5(CEP164):c.2362-22G>T

Gene: CEP164 (centrosomal protein 164; plus strand). Cytogenetic location: 11q23.3.
Variant type: single nucleotide variant.
Coding change: c.2362-22G>T on transcript NM_014956.5 (MANE Select); 22 bases into the intron before coding-DNA position 2362, G replaced by T.
Molecular consequence: intron variant.
Genome position (GRCh38, 1-based): chr11:117,392,474, G>T. VCF-style: chr11-117392474-G-T. GRCh37 (hg19) VCF-style: chr11-117263190-G-T.
Other names: c.2371-22G>T (NM_001271933.2, NM_001440949.1); c.2203-22G>T (NM_001440972.1); c.2224-22G>T (NM_001440967.1, NM_001440961.1); c.2275-22G>T (NM_001440956.1, NM_001440957.1); c.2362-22G>T (NM_001440950.1, NM_001440953.1, NM_001440951.1); c.2215-22G>T (NM_001440962.1, NM_001440970.1, NM_001440964.1 and 4 more transcripts); c.2005-22G>T (NM_001440990.1, NM_001440984.1); c.2197-22G>T (NM_001440952.1, NM_001440968.1, NM_001440969.1); and 7 more.
Identifiers: ClinVar variation 4996575 (VCV004996575.1).